The following is an entry in ClinVar:

ClinVar aggregate classification (germline): Pathogenic (1 of 4 stars; one submission).

Conditions:
Neuromuscular disease caused by qualitative or quantitative defects of dysferlin. Also called: Dysferlinopathy; Qualitative or quantitative defects of dysferlin. Identifiers: Orphanet 207073, MedGen C2931687, MONDO:0016145.

Submission:

Labcorp Genetics (formerly Invitae), Labcorp
Classification: Pathogenic for Neuromuscular disease caused by qualitative or quantitative defects of dysferlin. Last evaluated: 2022-04-18. Review status: criteria provided, single submitter. Criteria: Invitae Variant Classification Sherloc (09022015). Collection method: clinical testing. Allele origin: germline.
Comment: This sequence change creates a premature translational stop signal (p.Asp473Glufs*8) in the DYSF gene. It is expected to result in an absent or disrupted protein product. Loss-of-function variants in DYSF are known to be pathogenic (PMID: 17698709, 20301480). This variant is not present in population databases (gnomAD no frequency). This variant has not been reported in the literature in individuals affected with DYSF-related conditions. For these reasons, this variant has been classified as Pathogenic.

Literature cited by the submitters: PubMed 17698709; PubMed 20301480.

NM_001130987.2(DYSF):c.1515del (p.Asp505fs)

Gene: DYSF (dysferlin; plus strand). Cytogenetic location: 2p13.2.
Variant type: Deletion.
Coding change: c.1515del on transcript NM_001130987.2 (MANE Select); coding-DNA position 1515, one base deleted (C; older notation c.1515delC).
Protein change: p.Asp505fs; shifts the reading frame from aspartic acid 505.
Molecular consequence: frameshift variant.
Genome position (GRCh38, 1-based): chr2:71,539,178, C deleted. VCF-style (leftmost placement, unchanged base first): chr2-71539177-AC-A. GRCh37 (hg19) VCF-style: chr2-71766307-AC-A.
Other names: c.1422del, p.Asp474fs (NM_001130455.2, NM_001130983.2, NM_001130984.2 and 1 more transcripts); c.1419del, p.Asp473fs (NM_001130976.2, NM_001130977.2, NM_001130978.2 and 1 more transcripts); c.1512del, p.Asp504fs (NM_001130979.2, NM_001130980.2, NM_001130981.2); c.1515del, p.Asp505fs (NM_001130982.2, NM_001130985.2); short protein forms D504fs, D473fs, D505fs, D474fs.
Identifiers: ClinVar variation 2124483 (VCV002124483.4), dbSNP rs2545584268, ClinGen allele CA2580067763.
Genomic context (GRCh38, chr2:71,539,177, plus strand): 5'-CCTTTCCTGTGTTCAGGCCCTCTCTGCTCCCTTGCTCTAGGGACCGCCTGACTCACAATG[AC>A]ATCGTGGCTACCACCTACCTGAGTATGTCGAAAATCTCTGCCCCTGGAGGAGAAATAGAA-3'